The following is an entry in ClinVar:

NM_006261.5(PROP1):c.390_391del (p.Leu131fs)

Gene: PROP1 (PROP paired-like homeobox 1; minus strand). Cytogenetic location: 5q35.3.
Variant type: Deletion.
Coding change: c.390_391del on transcript NM_006261.5 (MANE Select); coding-DNA positions 390 to 391, 2 bases deleted (AC; older notation c.390_391delAC).
Protein change: p.Leu131fs; shifts the reading frame from leucine 131.
Molecular consequence: frameshift variant.
Genome position (GRCh38, 1-based): chr5:177,992,999-177,993,000, GT deleted on the plus strand (AC on the coding strand, the reverse complement: PROP1 is on the minus strand); deleting any 2 consecutive bases within chr5:177,992,999-177,993,001 gives the same sequence; the c. name uses the placement nearest the transcript's 3' end. VCF-style (leftmost placement, unchanged base first): chr5-177992998-AGT-A. GRCh37 (hg19) VCF-style: chr5-177419999-AGT-A.
Other names: c.390_391delAC (NM_006261.4); c.390_391del (NM_006261.4); short protein forms L131fs.
Identifiers: ClinVar variation 371125 (VCV000371125.6), dbSNP rs1057517027, ClinGen allele CA16041002.
Genomic context (GRCh38, chr5:177,992,998, plus strand): 5'-GTGGACTCTGGCAAGAAGCTGGAAAAGGCGGCAGGAGACAGATGGGCCAGAGGCTGAAGC[AGT>A]GAGCGCTCTTGCTTCCGTTGCTTAGCTCTGCGGTTCTGGAACCAGACCTGAGAAGGGGTA-3'

ClinVar aggregate classification (germline): Pathogenic/Likely pathogenic. Review status: criteria provided, multiple submitters, no conflicts (2 of 4 stars). 4 submissions from 4 submitters: Pathogenic (1); Likely pathogenic (2). 1 of the submissions does not count toward it. Last evaluated 2025-03-26.

Conditions:
Pituitary hormone deficiency, combined, 2. Also called: PITUITARY DWARFISM III; HANHART DWARFISM; ATELIOTIC DWARFISM WITH HYPOGONADISM; PROP1-Related Combined Pituitary Hormone Deficiency. Identifiers: MedGen C0878683, MONDO:0009878, OMIM 262600.

Submissions (4):

Natera, Inc.
Classification: Likely pathogenic for Combined pituitary hormone deficiency type 2. Last evaluated: 2025-03-26. Review status: criteria provided, single submitter. Criteria: Natera Variant Classification Schema (03/2026). Collection method: clinical testing. Allele origin: germline.
Comment: The c.390_391del variant in PROP1 is a frameshift variant predicted to shift the reading frame beginning at codon 131 and leads to a stop codon 61 codons downstream. This variant is expected to result in nonsense mediated decay, truncation, or a dysfunctional protein product. This variant is rare in the general population with a frequency below the threshold expected for the associated phenotype(s). Given the available evidence, this variant is classified as Likely Pathogenic.

Labcorp Genetics (formerly Invitae), Labcorp
Classification: Pathogenic. Last evaluated: 2025-02-25. Review status: criteria provided, single submitter. Criteria: Invitae Variant Classification Sherloc (09022015). Collection method: clinical testing. Allele origin: germline.
Comment: This sequence change creates a premature translational stop signal (p.Leu131Alafs*61) in the PROP1 gene. While this is not anticipated to result in nonsense mediated decay, it is expected to disrupt the last 96 amino acid(s) of the PROP1 protein. This variant is not present in population databases (gnomAD no frequency). This variant has not been reported in the literature in individuals affected with PROP1-related conditions. ClinVar contains an entry for this variant (Variation ID: 371125). This variant disrupts a region of the PROP1 protein in which other variant(s) (p.Trp194*) have been determined to be pathogenic (PMID: 15941866, 20381582). This suggests that this is a clinically significant region of the protein, and that variants that disrupt it are likely to be disease-causing. For these reasons, this variant has been classified as Pathogenic.

Baylor Genetics
Classification: Likely pathogenic for Pituitary hormone deficiency, combined, 2. Last evaluated: 2024-02-13. Review status: criteria provided, single submitter. Criteria: ACMG Guidelines, 2015. Collection method: clinical testing. Allele origin: unknown.

Counsyl
Classification: Likely pathogenic for Pituitary hormone deficiency, combined, 2. Last evaluated: 2016-07-06. Review status: no assertion criteria provided. Collection method: clinical testing. Allele origin: unknown. Not counted in ClinVar's aggregate classification.

Literature cited by the submitters: PubMed 15941866 (cited by Labcorp Genetics (formerly Invitae), Labcorp); PubMed 20381582 (cited by Labcorp Genetics (formerly Invitae), Labcorp).